The following is an entry in ClinVar:

NM_015178.3(RHOBTB2):c.1934A>G (p.Lys645Arg)

Gene: RHOBTB2 (Rho related BTB domain containing 2; plus strand). Cytogenetic location: 8p21.3.
Variant type: single nucleotide variant.
Coding change: c.1934A>G on transcript NM_015178.3 (MANE Select); coding-DNA position 1934, A replaced by G.
Protein change: p.Lys645Arg; replaces lysine 645 with arginine.
Molecular consequence: missense variant.
Genome position (GRCh38, 1-based): chr8:23,015,711, A>G. VCF-style: chr8-23015711-A-G. GRCh37 (hg19) VCF-style: chr8-22873224-A-G.
Other names: c.2000A>G, p.Lys667Arg (NM_001160036.2); c.1955A>G, p.Lys652Arg (NM_001160037.2); c.1934A>G, p.Lys645Arg (NM_001374791.1); short protein forms K667R, K645R, K652R.
Identifiers: ClinVar variation 2010092 (VCV002010092.4), dbSNP rs1811271912, ClinGen allele CA370575970.

ClinVar aggregate classification (germline): Uncertain significance (1 of 4 stars; one submission).

Allele frequency attached by ClinVar (database versions not stated): gnomAD exomes below 0.00001; TOPMed below 0.00001.
gnomAD v4.1: 2 of 1,613,844 alleles (0.00012%); highest among the groups gnomAD compares: Non-Finnish European, 0.00017%; no homozygotes.

Submission:

Labcorp Genetics (formerly Invitae), Labcorp
Classification: Uncertain significance. Last evaluated: 2022-06-24. Review status: criteria provided, single submitter. Criteria: Invitae Variant Classification Sherloc (09022015). Collection method: clinical testing. Allele origin: germline.
Comment: In summary, the available evidence is currently insufficient to determine the role of this variant in disease. Therefore, it has been classified as a Variant of Uncertain Significance. This sequence change replaces lysine, which is basic and polar, with arginine, which is basic and polar, at codon 667 of the RHOBTB2 protein (p.Lys667Arg). This variant is not present in population databases (gnomAD no frequency). This variant has not been reported in the literature in individuals affected with RHOBTB2-related conditions. Algorithms developed to predict the effect of missense changes on protein structure and function (SIFT, PolyPhen-2, Align-GVGD) all suggest that this variant is likely to be tolerated.